The following is an entry in ClinVar:

NM_001733.7(C1R):c.302G>A (p.Gly101Glu)

Gene: C1R (complement C1r; minus strand). Cytogenetic location: 12p13.31.
Variant type: single nucleotide variant.
Coding change: c.302G>A on transcript NM_001733.7 (MANE Select); coding-DNA position 302, G replaced by A.
Protein change: p.Gly101Glu; replaces glycine 101 with glutamic acid.
Molecular consequence: missense variant.
Genome position (GRCh38, 1-based): chr12:7,090,178, C>T on the plus strand (G>A on the coding strand, the complement: C1R is on the minus strand). VCF-style: chr12-7090178-C-T. GRCh37 (hg19) VCF-style: chr12-7242774-C-T.
Other names: c.344G>A, p.Gly115Glu (NM_001354346.2); c.302G>A (NM_001733.4); short protein forms G101E, G115E.
Identifiers: ClinVar variation 4848812 (VCV004848812.2).

ClinVar aggregate classification (germline): Uncertain significance. Review status: criteria provided, multiple submitters, no conflicts (2 of 4 stars). 2 submissions from 2 submitters: Uncertain significance (2). Last evaluated 2026-04-07.

Submissions (2):

Women's Health and Genetics/Laboratory Corporation of America, LabCorp
Classification: Uncertain significance. Last evaluated: 2026-04-07. Review status: criteria provided, single submitter. Criteria: LabCorp Variant Classification Summary - May 2015. Collection method: clinical testing. Allele origin: germline.

GeneDx
Classification: Uncertain significance. Last evaluated: 2026-04-02. Review status: criteria provided, single submitter. Criteria: GeneDx Variant Classification Process June 2021. Collection method: clinical testing. Allele origin: germline.
Comment: Not observed at significant frequency in large population cohorts (gnomAD); In silico analysis supports that this missense variant has a deleterious effect on protein structure/function; Has not been previously published as pathogenic or benign to our knowledge